The following is an entry in ClinVar:

ClinVar aggregate classification (germline): Conflicting classifications of pathogenicity. Review status: criteria provided, conflicting classifications (1 of 4 stars). 2 submissions from 2 submitters: Likely pathogenic (1); Uncertain significance (1). Last evaluated 2023-09-20.

Conditions:
SH3TC2-related disorder. Also called: SH3TC2-related condition; SH3TC2-related disorders. Identifiers: MedGen CN239303.

Submissions (2):

PreventionGenetics, part of Exact Sciences
Classification: Uncertain significance for SH3TC2-related condition. Last evaluated: 2023-09-20. Review status: criteria provided, single submitter. Criteria: ACMG Guidelines, 2015. Collection method: clinical testing. Allele origin: germline.
Comment: The SH3TC2 c.748_750delTAT variant is predicted to result in an in-frame deletion (p.Tyr250del). This variant has been reported together with second variant in an individual with Charcot-Marie-Tooth 4C (Figure 2, Rehbein et al. 2023. PubMed ID: 36947133). This variant has not been reported in a large population database, indicating this variant is rare. Although we suspect, that this variant may be pathogenic, at this time, the clinical significance of this variant is uncertain due to the absence of conclusive functional and genetic evidence.

GeneDx
Classification: Likely pathogenic. Last evaluated: 2016-10-17. Review status: criteria provided, single submitter. Criteria: GeneDx Variant Classification (06012015). Collection method: clinical testing. Allele origin: germline. Affected: yes.
Comment: The c.748_750delTAT variant has not been published as a pathogenic variant, nor has it been reported as a benign variant to our knowledge. It was not observed in approximately 6,500 individuals of European and African American ancestry in the NHLBI Exome Sequencing Project, indicating it is not a common benign variant in these populations. This variant results in an in-frame deletion of one Tyrosine residue, denoted p.Tyr250del. Other in-frame deletions have been reported in the Human Gene Mutation Database in association with SH3TC2-related disorders (Stenson et al., 2014). Therefore, the c.748_750delTAT variant is a strong candidate for a pathogenic variant.

NM_024577.4(SH3TC2):c.748_750del (p.Tyr250del)

Gene: SH3TC2 (SH3 domain and tetratricopeptide repeats 2; minus strand). Cytogenetic location: 5q32.
Variant type: Deletion.
Coding change: c.748_750del on transcript NM_024577.4 (MANE Select); coding-DNA positions 748 to 750, 3 bases deleted (TAT; older notation c.748_750delTAT).
Protein change: p.Tyr250del; deletes tyrosine 250.
Molecular consequence: inframe deletion.
Genome position (GRCh38, 1-based): chr5:149,040,659-149,040,661, ATA deleted on the plus strand (TAT on the coding strand, the reverse complement: SH3TC2 is on the minus strand); deleting any 3 consecutive bases within chr5:149,040,659-149,040,663 gives the same sequence; the c. name uses the placement nearest the transcript's 3' end. VCF-style (leftmost placement, unchanged base first): chr5-149040658-GATA-G. GRCh37 (hg19) VCF-style: chr5-148420221-GATA-G.
Other names: c.748_750delTAT (NM_024577.3); short protein forms Y250del.
Identifiers: ClinVar variation 421261 (VCV000421261.3), dbSNP rs1064795016, ClinGen allele CA16618137.